The following is an entry in ClinVar:

ClinVar aggregate classification (germline): Pathogenic (1 of 4 stars; one submission).

Conditions:
Nephronophthisis 15 (NPHP15). Identifiers: Orphanet 3156, MedGen C3541853, MONDO:0013917, OMIM 614845.

gnomAD v4.1: 2 of 1,613,202 alleles (0.00012%); highest among the groups gnomAD compares: Admixed American, 0.0033%; no homozygotes.

Submission:

Labcorp Genetics (formerly Invitae), Labcorp
Classification: Pathogenic for Nephronophthisis 15. Last evaluated: 2025-02-19. Review status: criteria provided, single submitter. Criteria: Invitae Variant Classification Sherloc (09022015). Collection method: clinical testing. Allele origin: germline.
Comment: This sequence change creates a premature translational stop signal (p.Glu981*) in the CEP164 gene. It is expected to result in an absent or disrupted protein product. Loss-of-function variants in CEP164 are known to be pathogenic (PMID: 22863007, 28125082, 32367404, 34132027, 34499853). This variant is not present in population databases (gnomAD no frequency). This variant has not been reported in the literature in individuals affected with CEP164-related conditions. For these reasons, this variant has been classified as Pathogenic.

Literature cited by the submitters: PubMed 22863007; PubMed 28125082; PubMed 32367404; PubMed 34132027; PubMed 34499853.

NM_014956.5(CEP164):c.2941G>T (p.Glu981Ter)

Gene: CEP164 (centrosomal protein 164; plus strand). Cytogenetic location: 11q23.3.
Variant type: single nucleotide variant.
Coding change: c.2941G>T on transcript NM_014956.5 (MANE Select); coding-DNA position 2941, G replaced by T.
Protein change: p.Glu981Ter; replaces glutamic acid 981 with a stop codon.
Molecular consequence: nonsense.
Genome position (GRCh38, 1-based): chr11:117,395,574, G>T. VCF-style: chr11-117395574-G-T. GRCh37 (hg19) VCF-style: chr11-117266290-G-T.
Other names: c.2950G>T, p.Glu984Ter (NM_001271933.2, NM_001440949.1); c.2941G>T, p.Glu981Ter (NM_001440950.1, NM_001440951.1, NM_001440953.1); c.2776G>T, p.Glu926Ter (NM_001440952.1, NM_001440968.1, NM_001440969.1); c.2863G>T, p.Glu955Ter (NM_001440954.1, NM_001440955.1, NM_001440958.1 and 1 more transcripts); c.2854G>T, p.Glu952Ter (NM_001440956.1, NM_001440957.1); c.2812G>T, p.Glu938Ter (NM_001440960.1); c.2803G>T, p.Glu935Ter (NM_001440961.1, NM_001440967.1); c.2794G>T, p.Glu932Ter (NM_001440962.1, NM_001440963.1, NM_001440964.1 and 4 more transcripts); and 7 more; short protein forms E885*, E926*, E981*, E862*, E928*, E935*, E938*, E836*.
Identifiers: ClinVar variation 4739455 (VCV004739455.1).